The following is an entry in ClinVar:

ClinVar aggregate classification (germline): Uncertain significance (1 of 4 stars; one submission).

Conditions:
Multiple congenital exostosis (EXT). Also called: Multiple osteochondromas; Hereditary multiple osteochondromas; Hereditary multiple exostoses; Hereditary multiple exostosis; MULTIPLE CARTILAGINOUS EXOSTOSES; Multiple exostoses. Identifiers: Orphanet 321, MedGen C0015306, MONDO:0005508, HP:0002762.

Allele frequency attached by ClinVar (database versions not stated): gnomAD exomes below 0.00001; TOPMed below 0.00001.
gnomAD v4.1: 4 of 1,612,450 alleles (0.00025%); highest among the groups gnomAD compares: African/African-American, 0.0027%; no homozygotes.

Submission:

Labcorp Genetics (formerly Invitae), Labcorp
Classification: Uncertain significance for Multiple congenital exostosis. Last evaluated: 2024-10-24. Review status: criteria provided, single submitter. Criteria: Invitae Variant Classification Sherloc (09022015). Collection method: clinical testing. Allele origin: germline.
Comment: This sequence change replaces leucine, which is neutral and non-polar, with phenylalanine, which is neutral and non-polar, at codon 71 of the EXT1 protein (p.Leu71Phe). This variant is present in population databases (no rsID available, gnomAD 0.01%). This variant has not been reported in the literature in individuals affected with EXT1-related conditions. ClinVar contains an entry for this variant (Variation ID: 2196286). Invitae Evidence Modeling of protein sequence and biophysical properties (such as structural, functional, and spatial information, amino acid conservation, physicochemical variation, residue mobility, and thermodynamic stability) indicates that this missense variant is not expected to disrupt EXT1 protein function with a negative predictive value of 80%. In summary, the available evidence is currently insufficient to determine the role of this variant in disease. Therefore, it has been classified as a Variant of Uncertain Significance.

NM_000127.3(EXT1):c.213G>C (p.Leu71Phe)

Gene: EXT1 (exostosin glycosyltransferase 1; minus strand). Cytogenetic location: 8q24.11.
Variant type: single nucleotide variant.
Coding change: c.213G>C on transcript NM_000127.3 (MANE Select); coding-DNA position 213, G replaced by C.
Protein change: p.Leu71Phe; replaces leucine 71 with phenylalanine.
Molecular consequence: missense variant.
Genome position (GRCh38, 1-based): chr8:118,110,834, C>G on the plus strand (G>C on the coding strand, the complement: EXT1 is on the minus strand). VCF-style: chr8-118110834-C-G. GRCh37 (hg19) VCF-style: chr8-119123073-C-G.
Other names: short protein forms L71F.
Identifiers: ClinVar variation 2196286 (VCV002196286.4), dbSNP rs1272922541, ClinGen allele CA371916360.